The following is an entry in ClinVar:

NM_014249.4(NR2E3):c.361G>A (p.Glu121Lys)

Gene: NR2E3 (nuclear receptor subfamily 2 group E member 3; plus strand). Cytogenetic location: 15q23.
Variant type: single nucleotide variant.
Coding change: c.361G>A on transcript NM_014249.4 (MANE Select); coding-DNA position 361, G replaced by A.
Protein change: p.Glu121Lys; replaces glutamic acid 121 with lysine.
Molecular consequence: missense variant.
Genome position (GRCh38, 1-based): chr15:71,811,966, G>A. VCF-style: chr15-71811966-G-A. GRCh37 (hg19) VCF-style: chr15-72104306-G-A.
Other names: c.361G>A, p.Glu121Lys (NM_016346.4); short protein forms E121K.
Identifiers: ClinVar variation 143146 (VCV000143146.40), dbSNP rs146403122, ClinGen allele CA232847.

ClinVar aggregate classification (germline): Benign/Likely benign. Review status: criteria provided, multiple submitters, no conflicts (2 of 4 stars). 8 submissions from 8 submitters: Benign (3); Likely benign (2). 3 of the submissions do not count toward it. Last evaluated 2026-02-04.

Conditions:
Retinal dystrophy. Also called: Inherited retinal dystrophy. Identifiers: Orphanet 71862, MedGen C0854723, MeSH D058499, MONDO:0019118, HP:0000556.
Retinitis pigmentosa 37 (RP37). Identifiers: Orphanet 791, MedGen C1970163, MONDO:0012625, OMIM 611131.
Enhanced S-cone syndrome (ESCS). Identifiers: Orphanet 53540, MedGen C1849394, MONDO:0100288, MONDO:0009989.

Allele frequency attached by ClinVar (database versions not stated): ESP Exome Variant Server 0.00008; gnomAD exomes 0.00171 and 0.00432; ExAC 0.00216; TOPMed 0.00218; gnomAD 0.00472; 1000 Genomes Project 30x 0.00953; 1000 Genomes Project 0.01118.
gnomAD v4.1: 2,753 of 1,550,932 alleles (0.18%); highest among the groups gnomAD compares: East Asian, 4.1%; 55 homozygotes.

Submissions (8):

Labcorp Genetics (formerly Invitae), Labcorp
Classification: Benign. Last evaluated: 2026-02-04. Review status: criteria provided, single submitter. Criteria: Invitae Variant Classification Sherloc (09022015). Collection method: clinical testing. Allele origin: germline.

CeGaT Center for Human Genetics Tuebingen
Classification: Benign. Last evaluated: 2025-11-01. Review status: criteria provided, single submitter. Criteria: CeGaT Center For Human Genetics Tuebingen Variant Classification Criteria Version 2. Collection method: clinical testing. Allele origin: germline. Affected: yes. Observed: 3 variant alleles.
Comment: NR2E3: BS1, BS2

Dept Of Ophthalmology, Nagoya University
Classification: Benign for Retinal dystrophy. Last evaluated: 2023-10-01. Review status: criteria provided, single submitter. Criteria: Submitter's publication. Collection method: research. Allele origin: germline. Affected: yes.

Fulgent Genetics
Classification: Likely benign for ENHANCED S-CONE SYNDROME 1; Retinitis pigmentosa 37. Last evaluated: 2022-04-08. Review status: criteria provided, single submitter. Criteria: ACMG Guidelines, 2015. Collection method: clinical testing. Allele origin: unknown.

Breakthrough Genomics
Classification: Likely benign. Review status: criteria provided, single submitter. Criteria: ACMG Guidelines, 2015. Collection method: not provided. Allele origin: germline. Inheritance: Autosomal recessive inheritance. Affected: yes.

Natera, Inc.
Classification: Benign for Enhanced S cone syndrome. Last evaluated: 2020-04-17. Review status: no assertion criteria provided. Collection method: clinical testing. Allele origin: germline. Not counted in ClinVar's aggregate classification.

Counsyl
Classification: Likely benign for Retinitis pigmentosa 37; ENHANCED S-CONE SYNDROME 1. Last evaluated: 2017-05-31. Review status: no assertion criteria provided. Collection method: clinical testing. Allele origin: unknown. Not counted in ClinVar's aggregate classification.

Department of Ophthalmology and Visual Sciences Kyoto University
Classification: Likely benign. Review status: no assertion criteria provided. Collection method: not provided. Allele origin: unknown. Not counted in ClinVar's aggregate classification.
ClinVar note: Converted during submission from probable-non-pathogenic to Likely benign.

Literature cited by the submitters: PubMed 19898638 (cited by Counsyl); PubMed 17438525 (cited by Counsyl); PubMed 25703721 (cited by Counsyl).